The following is an entry in ClinVar:

ClinVar aggregate classification (germline): Uncertain significance (1 of 4 stars; one submission).

Conditions:
Hereditary cancer-predisposing syndrome. Also called: Hereditary Cancer Syndrome; Hereditary neoplastic syndrome; Neoplastic Syndromes, Hereditary; Tumor predisposition. Identifiers: Orphanet 140162, MedGen C0027672, MeSH D009386, MONDO:0015356.

Submission:

Ambry Genetics
Classification: Uncertain significance for Hereditary cancer-predisposing syndrome. Last evaluated: 2025-08-20. Review status: criteria provided, single submitter. Criteria: Ambry Variant Classification Scheme 2023. Collection method: clinical testing. Allele origin: germline.
Comment: The p.S159R variant (also known as c.477T>G), located in coding exon 4 of the EPCAM gene, results from a T to G substitution at nucleotide position 477. The serine at codon 159 is replaced by arginine, an amino acid with dissimilar properties. This amino acid position is conserved. In addition, this alteration is predicted to be tolerated by in silico analysis. Based on the available evidence, the clinical significance of this variant remains unclear.

NM_002354.3(EPCAM):c.477T>G (p.Ser159Arg)

Gene: EPCAM (epithelial cell adhesion molecule; plus strand). Cytogenetic location: 2p21.
Variant type: single nucleotide variant.
Coding change: c.477T>G on transcript NM_002354.3 (MANE Select); coding-DNA position 477, T replaced by G.
Protein change: p.Ser159Arg; replaces serine 159 with arginine.
Molecular consequence: missense variant.
Genome position (GRCh38, 1-based): chr2:47,375,285, T>G. VCF-style: chr2-47375285-T-G. GRCh37 (hg19) VCF-style: chr2-47602424-T-G.
Other names: short protein forms S159R.
Identifiers: ClinVar variation 4249689 (VCV004249689.1).